The following is an entry in ClinVar:

ClinVar aggregate classification (germline): Uncertain significance (1 of 4 stars; one submission).

Conditions:
Benign neonatal seizures. Also called: Benign familial neonatal epilepsy; Benign familial neonatal seizures; Convulsions benign familial neonatal dominant form; Autosomal dominant form of benign neonatal seizures; Benign neonatal familial convulsions. Identifiers: Orphanet 1949, MedGen C0220669, MONDO:0016027.

Allele frequency attached by ClinVar (database versions not stated): TOPMed below 0.00001; gnomAD 0.00001.
gnomAD v4.1: 1 of 1,613,784 alleles (0.000062%); highest among the groups gnomAD compares: Non-Finnish European, 0.000085%; no homozygotes.

Submission:

Labcorp Genetics (formerly Invitae), Labcorp
Classification: Uncertain significance for Benign neonatal seizures. Last evaluated: 2019-10-16. Review status: criteria provided, single submitter. Criteria: Invitae Variant Classification Sherloc (09022015). Collection method: clinical testing. Allele origin: germline.
Comment: In summary, the available evidence is currently insufficient to determine the role of this variant in disease. Therefore, it has been classified as a Variant of Uncertain Significance. Algorithms developed to predict the effect of missense changes on protein structure and function (SIFT, PolyPhen-2, Align-GVGD) all suggest that this variant is likely to be tolerated, but these predictions have not been confirmed by published functional studies and their clinical significance is uncertain. This variant has not been reported in the literature in individuals with KCNQ3-related conditions. This variant is not present in population databases (ExAC no frequency). This sequence change replaces glutamic acid with lysine at codon 403 of the KCNQ3 protein (p.Glu403Lys). The glutamic acid residue is highly conserved and there is a small physicochemical difference between glutamic acid and lysine.

NM_004519.4(KCNQ3):c.1207G>A (p.Glu403Lys)

Gene: KCNQ3 (potassium voltage-gated channel subfamily Q member 3; minus strand). Cytogenetic location: 8q24.22.
Variant type: single nucleotide variant.
Coding change: c.1207G>A on transcript NM_004519.4 (MANE Select); coding-DNA position 1207, G replaced by A.
Protein change: p.Glu403Lys; replaces glutamic acid 403 with lysine.
Molecular consequence: missense variant.
Genome position (GRCh38, 1-based): chr8:132,170,362, C>T on the plus strand (G>A on the coding strand, the complement: KCNQ3 is on the minus strand). VCF-style: chr8-132170362-C-T. GRCh37 (hg19) VCF-style: chr8-133182609-C-T.
Other names: c.847G>A, p.Glu283Lys (NM_001204824.2); short protein forms E403K, E283K.
Identifiers: ClinVar variation 70789 (VCV000070789.9), dbSNP rs142445773, ClinGen allele CA186222954.